The following is an entry in ClinVar:

NM_000548.5(TSC2):c.574G>A (p.Asp192Asn)

Gene: TSC2 (TSC complex subunit 2; plus strand). Cytogenetic location: 16p13.3.
Variant type: single nucleotide variant.
Coding change: c.574G>A on transcript NM_000548.5 (MANE Select); coding-DNA position 574, G replaced by A.
Protein change: p.Asp192Asn; replaces aspartic acid 192 with asparagine.
Molecular consequence: missense variant. On other transcripts: intron variant (1).
Genome position (GRCh38, 1-based): chr16:2,055,494, G>A. VCF-style: chr16-2055494-G-A. GRCh37 (hg19) VCF-style: chr16-2105495-G-A.
Other names: c.574G>A, p.Asp192Asn (NM_001077183.3, NM_001114382.3, NM_001363528.2 and 3 more transcripts); c.463G>A, p.Asp155Asn (NM_001318827.2); c.427G>A, p.Asp143Asn (NM_001318829.2); c.607G>A, p.Asp203Asn (NM_001318832.2); c.-1-702G>A (NM_001318831.2); short protein forms D192N, D203N, D155N, D143N.
Identifiers: ClinVar variation 535962 (VCV000535962.12), dbSNP rs1284679649, ClinGen allele CA394309714.

ClinVar aggregate classification (germline): Uncertain significance. Review status: criteria provided, multiple submitters, no conflicts (2 of 4 stars). 3 submissions from 3 submitters: Uncertain significance (3). Last evaluated 2025-12-18.

Conditions:
Hereditary cancer-predisposing syndrome. Also called: Neoplastic Syndromes, Hereditary; Tumor predisposition; Hereditary Cancer Syndrome; Hereditary neoplastic syndrome. Identifiers: Orphanet 140162, MedGen C0027672, MeSH D009386, MONDO:0015356.
Tuberous sclerosis syndrome (TSC). Also called: Tuberous Sclerosis Complex; Tuberous sclerosis. Identifiers: Orphanet 805, MedGen C0041341, MONDO:0001734.
Tuberous sclerosis 2 (TSC2). Identifiers: Orphanet 805, MedGen C1860707, MONDO:0013199, OMIM 613254.

Allele frequency attached by ClinVar (database versions not stated): gnomAD exomes below 0.00001; TOPMed below 0.00001.
gnomAD v4.1: 7 of 1,614,110 alleles (0.00043%); highest among the groups gnomAD compares: African/African-American, 0.0013%; no homozygotes.

Submissions (3):

Labcorp Genetics (formerly Invitae), Labcorp
Classification: Uncertain significance for Tuberous sclerosis 2. Last evaluated: 2025-12-18. Review status: criteria provided, single submitter. Criteria: Invitae Variant Classification Sherloc (09022015). Collection method: clinical testing. Allele origin: germline.
Comment: This sequence change replaces aspartic acid, which is acidic and polar, with asparagine, which is neutral and polar, at codon 192 of the TSC2 protein (p.Asp192Asn). This variant is not present in population databases (gnomAD no frequency). This variant has not been reported in the literature in individuals affected with TSC2-related conditions. ClinVar contains an entry for this variant (Variation ID: 535962). Invitae Evidence Modeling of protein sequence and biophysical properties (such as structural, functional, and spatial information, amino acid conservation, physicochemical variation, residue mobility, and thermodynamic stability) indicates that this missense variant is not expected to disrupt TSC2 protein function with a negative predictive value of 95%. In summary, the available evidence is currently insufficient to determine the role of this variant in disease. Therefore, it has been classified as a Variant of Uncertain Significance.

Ambry Genetics
Classification: Uncertain significance for Hereditary cancer-predisposing syndrome. Last evaluated: 2024-10-07. Review status: criteria provided, single submitter. Criteria: Ambry Variant Classification Scheme 2023. Collection method: clinical testing. Allele origin: germline.
Comment: The p.D192N variant (also known as c.574G>A), located in coding exon 5 of the TSC2 gene, results from a G to A substitution at nucleotide position 574. The aspartic acid at codon 192 is replaced by asparagine, an amino acid with highly similar properties. This amino acid position is well conserved in available vertebrate species. In addition, the in silico prediction for this alteration is inconclusive. Based on the available evidence, the clinical significance of this variant remains unclear.

All of Us Research Program, National Institutes of Health
Classification: Uncertain significance for Tuberous sclerosis syndrome. Last evaluated: 2023-11-30. Review status: criteria provided, single submitter. Criteria: ACMG Guidelines, 2015. Collection method: clinical testing. Allele origin: germline. Inheritance: Autosomal dominant inheritance. Observed: 1 variant allele, 1 heterozygote.
Comment: This study involves interpretation of variants in research participants for the purpose of population health screening. Participant phenotype was not available at the time of variant classification. Additional details can be found in publication PMID: 35346344, PMCID: PMC8962531